The following is an entry in ClinVar:

NM_005585.5(SMAD6):c.1069T>A (p.Phe357Ile)

Gene: SMAD6 (SMAD family member 6; plus strand). Cytogenetic location: 15q22.31.
Variant type: single nucleotide variant.
Coding change: c.1069T>A on transcript NM_005585.5 (MANE Select); coding-DNA position 1069, T replaced by A.
Protein change: p.Phe357Ile; replaces phenylalanine 357 with isoleucine.
Molecular consequence: missense variant. On other transcripts: non-coding transcript variant (1).
Genome position (GRCh38, 1-based): chr15:66,781,113, T>A. VCF-style: chr15-66781113-T-A. GRCh37 (hg19) VCF-style: chr15-67073451-T-A.
Other names: short protein forms F357I.
Identifiers: ClinVar variation 372510 (VCV000372510.1), dbSNP rs1057517824, ClinGen allele CA16043022.

ClinVar aggregate classification (germline): Likely pathogenic (1 of 4 stars; one submission).

Submission:

GeneDx
Classification: Likely pathogenic. Last evaluated: 2016-03-01. Review status: criteria provided, single submitter. Criteria: GeneDx Variant Classification (06012015). Collection method: clinical testing. Allele origin: germline. Affected: yes.
Comment: The F357I variant in the SMAD6 gene has not been reported previously as a pathogenic variant nor as a benign polymorphism, to our knowledge. The F357I variant was not observed in approximately 6,500 individuals of European and African American ancestry in the NHLBI Exome Sequencing Project, indicating it is not a common benign variant in these populations. The F357I variant is a conservative amino acid substitution, which is not likely to impact secondary protein structure as these residues share similar properties. This substitution occurs at a position that is conserved across species. In silico analysis predicts this variant is probably damaging to the protein structure/function. Based on review of the data in the context of the 2015 ACMG standards and guidelines for the interpretation of sequence variants (Richards et al., 2015), we now interpret F357I as a strong candidate for a pathogenic variant. However, the possibility F357I may be a rare benign variant cannot be excluded.